The following is an entry in ClinVar:

NM_001267550.2(TTN):c.91544_91554del (p.Ile30515fs)

Genes: TTN (titin; minus strand), TTN-AS1 (TTN antisense RNA 1; plus strand). Cytogenetic location: 2q31.2.
Variant type: Deletion.
Coding change: c.91544_91554del on transcript NM_001267550.2 (MANE Select); coding-DNA positions 91544 to 91554, 11 bases deleted (TTATGACAAGA).
Protein change: p.Ile30515fs; shifts the reading frame from isoleucine 30515.
Molecular consequence: frameshift variant.
Genome position (GRCh38, 1-based): chr2:178,550,977-178,550,987, TCTTGTCATAA deleted on the plus strand (TTATGACAAGA on the coding strand, the reverse complement: TTN is on the minus strand); deleting any 11 consecutive bases within chr2:178,550,977-178,550,988 gives the same sequence; the c. name uses the placement nearest the transcript's 3' end. VCF-style (leftmost placement, unchanged base first): chr2-178550976-CTCTTGTCATAA-C. GRCh37 (hg19) VCF-style: chr2-179415703-CTCTTGTCATAA-C.
Other names: c.86621_86631del, p.Ile28874fs (NM_001256850.1); c.64349_64359del, p.Ile21450fs (NM_003319.4); c.83840_83850del, p.Ile27947fs (NM_133378.4); c.64724_64734del, p.Ile21575fs (NM_133432.3); c.64925_64935del, p.Ile21642fs (NM_133437.4); c.64349_64359del11 (NM_003319.4); c.91544_91554del (NM_001267550.1); short protein forms I30515fs, I27947fs, I21450fs, I21575fs, I21642fs, I28874fs.
Identifiers: ClinVar variation 626646 (VCV000626646.5), dbSNP rs1559192617, ClinGen allele CA913189449.
Genomic context (GRCh38, chr2:178,550,976, plus strand): 5'-TAAAAATGTGAATGCTCTTAGTCTCATTGGAAATAAGTTGTAAATGCTTACCATTTTCAT[CTCTTGTCATAA>C]TAATGCCAGAAGACTGTGAGGGCGGGCTTATAGTTCCAACAGCATTTCTTGCAATTATTC-3'

ClinVar aggregate classification (germline): Conflicting classifications of pathogenicity. Review status: criteria provided, conflicting classifications (1 of 4 stars). 3 submissions from 3 submitters: Likely pathogenic (2); Uncertain significance (1). Last evaluated 2022-03-14.

Conditions:
Cardiomyopathy (CMYO). Also called: Cardiomyopathies. Identifiers: Orphanet 167848, MedGen C0878544, MONDO:0004994, HP:0001638. Inheritance: Various modes of inheritance.
Dilated cardiomyopathy 1G (CMD1G). Identifiers: Orphanet 154, MedGen C1858763, MONDO:0011400, OMIM 604145.
Cardiovascular phenotype. Identifiers: MedGen CN230736.

Submissions (3):

Ambry Genetics
Classification: Likely pathogenic for Cardiovascular phenotype. Last evaluated: 2022-03-14. Review status: criteria provided, single submitter. Criteria: Ambry Variant Classification Scheme 2023. Collection method: clinical testing. Allele origin: germline.
Comment: The c.64349_64359del11 variant, located in coding exon 163 of the TTN gene, results from a deletion of 11 nucleotides at nucleotide positions 64349 to 64359, causing a translational frameshift with a predicted alternate stop codon (p.I21450Rfs*2). This exon is located in the A-band region of the N2-B isoform of the titin protein and is constitutively expressed in TTN transcripts (percent spliced in or PSI 100%). This alteration is expected to result in loss of function by premature protein truncation or nonsense-mediated mRNA decay. While truncating variants in TTN are present in 1-3% of the general population, truncating variants in the A-band are the most common cause of dilated cardiomyopathy (DCM) (Herman DS et al. N. Engl. J. Med., 2012 Feb;366:619-28; Roberts AM et al. Sci Transl Med, 2015 Jan;7:270ra6). TTN truncating variants encoded in constitutive exons (PSI >90%) have been found to be significantly associated with DCM regardless of their position in titin (Schafer S et al. Nat. Genet., 2017 01;49:46-53). As such, this alteration is classified as likely pathogenic.

Victorian Clinical Genetics Services, Murdoch Childrens Research Institute
Classification: Uncertain significance for Dilated cardiomyopathy 1G. Last evaluated: 2022-02-02. Review status: criteria provided, single submitter. Criteria: ACMG Guidelines, 2015. Collection method: clinical testing. Allele origin: germline. Inheritance: Autosomal dominant inheritance.
Comment: Based on the classification scheme VCGS_Germline_v1.3.4, this variant is classified as VUS-3A. Following criteria are met: 0102 - Loss of function is known mechanism of disease in this gene. In addition, dominant-negative is also a suggested mechanism (PMID: 25589632). (I) 0108 - This gene is associated with both recessive and dominant disease (OMIM). (I) 0112 - The condition associated with this gene has incomplete penetrance. Variants in this gene that result in a premature truncating codon (PTC) are known to have reduced penetrance in DCM (PMID: 25589632). (I) 0201 - Variant is predicted to cause nonsense-mediated decay (NMD) and loss of protein (premature termination codon is located at least 54 nucleotides upstream of the final exon-exon junction). (SP) 0251 - This variant is heterozygous. (I) 0301 - Variant is absent from gnomAD (both v2 and v3). (SP) 0600 - Variant is located in the annotated C-terminal A-band and the exon has a PSI score of 100 (PMID: 25589632). (I) 0703 - Other NMD-predicted variants comparable to the one identified in this case have moderate previous evidence for pathogenicity (ClinVar). (SP) 0803 - This variant has limited previous evidence of pathogenicity in an unrelated individual. This variant has been reported once as likely pathogenic and identified in two individuals; one with dilated cardiomyopathy and another with an unspecified cardiomyopathy (ClinVar, personal communication). (SP) 0905 - No published segregation evidence has been identified for this variant. (I) 1007 - No published functional evidence has been identified for this variant. (I) 1208 - Inheritance information for this variant is not currently available in this individual. (I) Legend: (SP) - Supporting pathogenic, (I) - Information, (SB) - Supporting benign

CHEO Genetics Diagnostic Laboratory, Children's Hospital of Eastern Ontario
Classification: Likely pathogenic for Cardiomyopathy. Last evaluated: 2016-04-06. Review status: criteria provided, single submitter. Criteria: ACMG Guidelines, 2015. Collection method: clinical testing. Allele origin: germline. Study: Canadian Open Genetics Repository.

Literature cited by the submitters: PubMed 25589632 (cited by Victorian Clinical Genetics Services, Murdoch Childrens Research Institute).